The following is an entry in ClinVar:

NM_000057.4(BLM):c.2495C>T (p.Thr832Ile)

Gene: BLM (BLM RecQ like helicase; plus strand). Cytogenetic location: 15q26.1.
Variant type: single nucleotide variant.
Coding change: c.2495C>T on transcript NM_000057.4 (MANE Select); coding-DNA position 2495, C replaced by T.
Protein change: p.Thr832Ile; replaces threonine 832 with isoleucine.
Molecular consequence: missense variant.
Genome position (GRCh38, 1-based): chr15:90,769,526, C>T. VCF-style: chr15-90769526-C-T. GRCh37 (hg19) VCF-style: chr15-91312756-C-T.
Other names: c.2495C>T, p.Thr832Ile (NM_001287246.2, NM_001287247.2); c.1370C>T, p.Thr457Ile (NM_001287248.2); short protein forms T457I, T832I.
Identifiers: ClinVar variation 1792126 (VCV001792126.7), dbSNP rs775471367, ClinGen allele CA7738791.

ClinVar aggregate classification (germline): Uncertain significance. Review status: criteria provided, multiple submitters, no conflicts (2 of 4 stars). 2 submissions from 2 submitters: Uncertain significance (2). Last evaluated 2024-04-04.

Conditions:
Hereditary cancer-predisposing syndrome. Also called: Hereditary Cancer Syndrome; Hereditary neoplastic syndrome; Tumor predisposition; Neoplastic Syndromes, Hereditary. Identifiers: Orphanet 140162, MedGen C0027672, MeSH D009386, MONDO:0015356.
Bloom syndrome (BLM). Also called: Bloom-Torre-Machacek syndrome. Identifiers: Orphanet 125, MedGen C0005859, MONDO:0008876, OMIM 210900.

Allele frequency attached by ClinVar (database versions not stated): ExAC 0.00001.

Submissions (2):

Labcorp Genetics (formerly Invitae), Labcorp
Classification: Uncertain significance for Bloom syndrome. Last evaluated: 2024-04-04. Review status: criteria provided, single submitter. Criteria: Invitae Variant Classification Sherloc (09022015). Collection method: clinical testing. Allele origin: germline.
Comment: This sequence change replaces threonine, which is neutral and polar, with isoleucine, which is neutral and non-polar, at codon 832 of the BLM protein (p.Thr832Ile). This variant is present in population databases (rs775471367, gnomAD 0.0009%). This variant has not been reported in the literature in individuals affected with BLM-related conditions. ClinVar contains an entry for this variant (Variation ID: 1792126). Advanced modeling of protein sequence and biophysical properties (such as structural, functional, and spatial information, amino acid conservation, physicochemical variation, residue mobility, and thermodynamic stability) performed at Invitae indicates that this missense variant is expected to disrupt BLM protein function with a positive predictive value of 80%. In summary, the available evidence is currently insufficient to determine the role of this variant in disease. Therefore, it has been classified as a Variant of Uncertain Significance.

Ambry Genetics
Classification: Uncertain significance for Hereditary cancer-predisposing syndrome. Last evaluated: 2022-06-27. Review status: criteria provided, single submitter. Criteria: Ambry Variant Classification Scheme 2023. Collection method: clinical testing. Allele origin: germline.
Comment: The p.T832I variant (also known as c.2495C>T), located in coding exon 11 of the BLM gene, results from a C to T substitution at nucleotide position 2495. The threonine at codon 832 is replaced by isoleucine, an amino acid with similar properties. This amino acid position is conserved. In addition, this alteration is predicted to be deleterious by in silico analysis. Since supporting evidence is limited at this time, the clinical significance of this alteration remains unclear.